The following is an entry in ClinVar:

NC_000009.11:g.(?_6587121)_(6645519_?)dup

Genes: GLDC (glycine decarboxylase; minus strand), LOC113839554 (Sharpr-MPRA regulatory region 10661; plus strand), LOC130001537 (ATAC-STARR-seq lymphoblastoid active region 28187; plus strand), LOC130001538 (ATAC-STARR-seq lymphoblastoid active region 28191; plus strand). Cytogenetic location: 9p24.1.
Variant type: Duplication.
Identifiers: ClinVar variation 663414 (VCV000663414.2).

ClinVar aggregate classification (germline): Uncertain significance (1 of 4 stars; one submission).

Conditions:
Glycine encephalopathy. Also called: Non-ketotic hyperglycinemia; Nonketotic hyperglycinemia. Identifiers: Orphanet 407, MedGen C0751748, MONDO:0011612, HP:0008288.

Submission:

Labcorp Genetics (formerly Invitae), Labcorp
Classification: Uncertain significance for Non-ketotic hyperglycinemia. Last evaluated: 2019-07-12. Review status: criteria provided, single submitter. Criteria: Invitae Variant Classification Sherloc (09022015). Collection method: clinical testing. Allele origin: germline.
Comment: This variant results in a copy number gain of the genomic region encompassing exons 1-15 of the GLDC gene. The 5' end of this event is unknown as it extends beyond the assayed region for this gene and therefore may encompass additional genes. The 3' boundary is likely confined to intron 15 of the GLDC gene. As the precise location of this event is unknown, it may be in tandem or it may be located elsewhere in the genome. This variant has not been reported in the literature in individuals with GLDC-related disease. Experimental studies are not available for this variant, and the functional significance of a copy number gain of these exons is currently unknown. In summary, the available evidence is currently insufficient to determine the role of this variant in disease. Therefore, it has been classified as a Variant of Uncertain Significance.